The following is an entry in ClinVar:

NC_000016.10:g.(?_98125)_(100529_?)del

Genes: HBA-LCR (alpha-globin locus control region; plus strand), NPRL3 (NPR3 like, GATOR1 complex subunit; minus strand). Cytogenetic location: 16p13.3.
Variant type: Deletion.
Identifiers: ClinVar variation 654677 (VCV000654677.6).

ClinVar aggregate classification (germline): Pathogenic (1 of 4 stars; one submission).

Conditions:
Epilepsy, familial focal, with variable foci 3 (FFEVF3). Identifiers: MedGen C4310708, MONDO:0014925, OMIM 617118.

Submission:

Labcorp Genetics (formerly Invitae), Labcorp
Classification: Pathogenic for Epilepsy, familial focal, with variable foci 3. Last evaluated: 2023-11-24. Review status: criteria provided, single submitter. Criteria: Invitae Variant Classification Sherloc (09022015). Collection method: clinical testing. Allele origin: germline.
Comment: This variant is a gross deletion of the genomic region encompassing exon(s) 8-9 of the NPRL3 gene. This deletion is out-of-frame, and is expected to create a premature termination codon and result in an absent or disrupted protein product. Loss-of-function variants in NPRL3 are known to be pathogenic (PMID: 26285051, 26505888). This variant has not been reported in the literature in individuals affected with NPRL3-related conditions. For these reasons, this variant has been classified as Pathogenic.

Literature cited by the submitters: PubMed 26285051; PubMed 26505888.